The following is an entry in ClinVar:

NM_144666.3(DNHD1):c.9772G>A (p.Asp3258Asn)

Gene: DNHD1 (dynein heavy chain domain 1; plus strand). Cytogenetic location: 11p15.4.
Variant type: single nucleotide variant.
Coding change: c.9772G>A on transcript NM_144666.3 (MANE Select); coding-DNA position 9772, G replaced by A.
Protein change: p.Asp3258Asn; replaces aspartic acid 3258 with asparagine.
Molecular consequence: missense variant.
Genome position (GRCh38, 1-based): chr11:6,563,484, G>A. VCF-style: chr11-6563484-G-A. GRCh37 (hg19) VCF-style: chr11-6584714-G-A.
Other names: short protein forms D3258N.
Identifiers: ClinVar variation 2672457 (VCV002672457.23), dbSNP rs2494064793, ClinGen allele CA379381482.

ClinVar aggregate classification (germline): Uncertain significance (1 of 4 stars; one submission).

Submission:

CeGaT Center for Human Genetics Tuebingen
Classification: Uncertain significance. Last evaluated: 2023-11-01. Review status: criteria provided, single submitter. Criteria: CeGaT Center For Human Genetics Tuebingen Variant Classification Criteria Version 2. Collection method: clinical testing. Allele origin: germline. Affected: yes. Observed: 1 variant allele.
Comment: DNHD1: PM2, BP4